The following is an entry in ClinVar:

ClinVar aggregate classification (germline): Uncertain significance. Review status: criteria provided, single submitter (1 of 4 stars). 2 submissions from 2 submitters: Uncertain significance (1). 1 of the submissions does not count toward it. Last evaluated 2022-05-08.

Conditions:
Mucopolysaccharidosis type 6 (MPS6). Also called: MPS 6; Maroteaux Lamy syndrome; MPS VI; N-ACETYLGALACTOSAMINE-4-SULFATASE DEFICIENCY; ARSB DEFICIENCY; ARYLSULFATASE B DEFICIENCY. Identifiers: Orphanet 583, MedGen C0026709, MONDO:0009661, OMIM 253200.

Allele frequency attached by ClinVar (database versions not stated): gnomAD exomes 0.00001; ExAC 0.00002.
gnomAD v4.1: 3 of 1,613,960 alleles (0.00019%); highest among the groups gnomAD compares: East Asian, 0.0067%; no homozygotes.

Submissions (2):

Labcorp Genetics (formerly Invitae), Labcorp
Classification: Uncertain significance for Mucopolysaccharidosis type 6. Last evaluated: 2022-05-08. Review status: criteria provided, single submitter. Criteria: Invitae Variant Classification Sherloc (09022015). Collection method: clinical testing. Allele origin: germline.
Comment: This sequence change replaces aspartic acid, which is acidic and polar, with glycine, which is neutral and non-polar, at codon 466 of the ARSB protein (p.Asp466Gly). This variant is present in population databases (rs745885140, gnomAD 0.02%). This variant has not been reported in the literature in individuals affected with ARSB-related conditions. ClinVar contains an entry for this variant (Variation ID: 972495). Advanced modeling of protein sequence and biophysical properties (such as structural, functional, and spatial information, amino acid conservation, physicochemical variation, residue mobility, and thermodynamic stability) performed at Invitae indicates that this missense variant is not expected to disrupt ARSB protein function. In summary, the available evidence is currently insufficient to determine the role of this variant in disease. Therefore, it has been classified as a Variant of Uncertain Significance.

Natera, Inc.
Classification: Uncertain significance for Mucopolysaccharidosis type VI. Last evaluated: 2021-03-19. Review status: no assertion criteria provided. Collection method: clinical testing. Allele origin: germline. Not counted in ClinVar's aggregate classification.

NM_000046.5(ARSB):c.1397A>G (p.Asp466Gly)

Gene: ARSB (arylsulfatase B; minus strand). Cytogenetic location: 5q14.1.
Variant type: single nucleotide variant.
Coding change: c.1397A>G on transcript NM_000046.5 (MANE Select); coding-DNA position 1397, A replaced by G.
Protein change: p.Asp466Gly; replaces aspartic acid 466 with glycine.
Molecular consequence: missense variant.
Genome position (GRCh38, 1-based): chr5:78,780,602, T>C on the plus strand (A>G on the coding strand, the complement: ARSB is on the minus strand). VCF-style: chr5-78780602-T-C. GRCh37 (hg19) VCF-style: chr5-78076425-T-C.
Other names: short protein forms D466G.
Identifiers: ClinVar variation 972495 (VCV000972495.7), dbSNP rs745885140, ClinGen allele CA3317989.